The following is an entry in ClinVar:

NM_005506.4(SCARB2):c.638A>C (p.Tyr213Ser)

Gene: SCARB2 (scavenger receptor class B member 2; minus strand). Cytogenetic location: 4q21.1.
Variant type: single nucleotide variant.
Coding change: c.638A>C on transcript NM_005506.4 (MANE Select); coding-DNA position 638, A replaced by C.
Protein change: p.Tyr213Ser; replaces tyrosine 213 with serine.
Molecular consequence: missense variant. On other transcripts: intron variant (1).
Genome position (GRCh38, 1-based): chr4:76,176,503, T>G on the plus strand (A>C on the coding strand, the complement: SCARB2 is on the minus strand). VCF-style: chr4-76176503-T-G. GRCh37 (hg19) VCF-style: chr4-77097656-T-G.
Other names: c.276-593A>C (NM_001204255.2); short protein forms Y213S.
Identifiers: ClinVar variation 846700 (VCV000846700.7), dbSNP rs751953388, ClinGen allele CA99890943.
Genomic context (GRCh38, chr4:76,176,503, plus strand): 5'-CCATTCCATTCCACAATTTTTGTAAAGTTAAGGTAACTGTCTTCTCCAGTTAGAAAAACA[T>G]AGTCTCCATCATTAGTCCCATTTTTCTGAAAATATGTGAATATGATCATTTAAAGTAACT-3'
Protein context (NP_005497.1, residues 203-223): YEKNGTNDGD[Tyr213Ser]VFLTGEDSYL

ClinVar aggregate classification (germline): Uncertain significance (1 of 4 stars; one submission).

Conditions:
Progressive myoclonic epilepsy. Also called: Familial progressive myoclonic epilepsy; Myoclonus epilepsy; Progressive myoclonus epilepsy; Myoclonic Epilepsies, Progressive. Identifiers: Orphanet 308, Orphanet 98261, MedGen C0751778, MONDO:0020074.

Allele frequency attached by ClinVar (database versions not stated): TOPMed 0.00001.
gnomAD v4.1: 12 of 1,611,362 alleles (0.00074%); highest among the groups gnomAD compares: Non-Finnish European, 0.001%; no homozygotes.

Submission:

Labcorp Genetics (formerly Invitae), Labcorp
Classification: Uncertain significance for Progressive myoclonic epilepsy. Last evaluated: 2019-12-03. Review status: criteria provided, single submitter. Criteria: Invitae Variant Classification Sherloc (09022015). Collection method: clinical testing. Allele origin: germline.
Comment: This variant is not present in population databases (ExAC no frequency). In summary, the available evidence is currently insufficient to determine the role of this variant in disease. Therefore, it has been classified as a Variant of Uncertain Significance. Algorithms developed to predict the effect of missense changes on protein structure and function (SIFT, PolyPhen-2, Align-GVGD) all suggest that this variant is likely to be disruptive, but these predictions have not been confirmed by published functional studies and their clinical significance is uncertain. This variant has not been reported in the literature in individuals with SCARB2-related conditions. This sequence change replaces tyrosine with serine at codon 213 of the SCARB2 protein (p.Tyr213Ser). The tyrosine residue is highly conserved and there is a large physicochemical difference between tyrosine and serine.